The following is an entry in ClinVar:

ClinVar aggregate classification (germline): Uncertain significance (1 of 4 stars; one submission).

Conditions:
Chédiak-Higashi syndrome (CHS). Also called: Chediak-Higashi Syndrome. Identifiers: Orphanet 167, MedGen C0007965, MONDO:0008963, OMIM 214500.

Allele frequency attached by ClinVar (database versions not stated): ExAC 0.00005.
gnomAD v4.1: 15 of 1,537,228 alleles (0.00098%); highest among the groups gnomAD compares: Middle Eastern, 0.017%; no homozygotes.

Submission:

Labcorp Genetics (formerly Invitae), Labcorp
Classification: Uncertain significance for Chédiak-Higashi syndrome. Last evaluated: 2021-09-02. Review status: criteria provided, single submitter. Criteria: Invitae Variant Classification Sherloc (09022015). Collection method: clinical testing. Allele origin: germline.
Comment: This sequence change replaces arginine with histidine at codon 3307 of the LYST protein (p.Arg3307His). The arginine residue is moderately conserved and there is a small physicochemical difference between arginine and histidine. This variant is present in population databases (rs756381548, ExAC 0.2%). This variant has not been reported in the literature in individuals affected with LYST-related conditions. Algorithms developed to predict the effect of missense changes on protein structure and function are either unavailable or do not agree on the potential impact of this missense change (SIFT: "Tolerated"; PolyPhen-2: "Probably Damaging"; Align-GVGD: "Class C0"). In summary, the available evidence is currently insufficient to determine the role of this variant in disease. Therefore, it has been classified as a Variant of Uncertain Significance.

NM_000081.4(LYST):c.9920G>A (p.Arg3307His)

Gene: LYST (lysosomal trafficking regulator; minus strand). Cytogenetic location: 1q42.3.
Variant type: single nucleotide variant.
Coding change: c.9920G>A on transcript NM_000081.4 (MANE Select); coding-DNA position 9920, G replaced by A.
Protein change: p.Arg3307His; replaces arginine 3307 with histidine.
Molecular consequence: missense variant.
Genome position (GRCh38, 1-based): chr1:235,712,062, C>T on the plus strand (G>A on the coding strand, the complement: LYST is on the minus strand). VCF-style: chr1-235712062-C-T. GRCh37 (hg19) VCF-style: chr1-235875362-C-T.
Other names: c.9920G>A, p.Arg3307His (NM_001301365.1); short protein forms R3307H.
Identifiers: ClinVar variation 582898 (VCV000582898.3), dbSNP rs756381548, ClinGen allele CA1465478.